The following is an entry in ClinVar:

ClinVar aggregate classification (germline): Uncertain significance (1 of 4 stars; one submission).

Conditions:
Baraitser-winter syndrome 2. Identifiers: Orphanet 2995, MedGen C3281235, MONDO:0013812, OMIM 614583.
Autosomal dominant nonsyndromic hearing loss 20. Identifiers: Orphanet 90635, MedGen C1858172, MONDO:0011480, OMIM 604717.

Submission:

Labcorp Genetics (formerly Invitae), Labcorp
Classification: Uncertain significance for Baraitser-winter syndrome 2; Autosomal dominant nonsyndromic hearing loss 20. Last evaluated: 2025-05-11. Review status: criteria provided, single submitter. Criteria: Invitae Variant Classification Sherloc (09022015). Collection method: clinical testing. Allele origin: germline.
Comment: This sequence change creates a premature translational stop signal (p.Thr202Hisfs*52) in the ACTG1 gene. It is expected to result in an absent or disrupted protein product. However, the current clinical and genetic evidence is not sufficient to establish whether loss-of-function variants in ACTG1 cause disease. This variant is not present in population databases (gnomAD no frequency). This variant has not been reported in the literature in individuals affected with ACTG1-related conditions. In summary, the available evidence is currently insufficient to determine the role of this variant in disease. Therefore, it has been classified as a Variant of Uncertain Significance.

NM_001614.5(ACTG1):c.602_603insA (p.Thr202fs)

Gene: ACTG1 (actin gamma 1; minus strand). Cytogenetic location: 17q25.3.
Variant type: Insertion.
Coding change: c.602_603insA on transcript NM_001614.5 (MANE Select); coding-DNA positions 602 to 603, A inserted.
Protein change: p.Thr202fs; shifts the reading frame from threonine 202.
Molecular consequence: frameshift variant. On other transcripts: non-coding transcript variant (1).
Genome position: GRCh38 VCF-style: chr17-81511387-G-GT. GRCh37 (hg19) VCF-style: chr17-79478413-G-GT.
Other names: c.602_603insA, p.Thr202fs (NM_001199954.3); short protein forms T202fs.
Identifiers: ClinVar variation 4784929 (VCV004784929.1).